The following is an entry in ClinVar:

NM_002693.3(POLG):c.2240G>A (p.Cys747Tyr)

Gene: POLG (DNA polymerase gamma, catalytic subunit; minus strand). Cytogenetic location: 15q26.1.
Variant type: single nucleotide variant.
Coding change: c.2240G>A on transcript NM_002693.3 (MANE Select); coding-DNA position 2240, G replaced by A.
Protein change: p.Cys747Tyr; replaces cysteine 747 with tyrosine.
Molecular consequence: missense variant.
Genome position (GRCh38, 1-based): chr15:89,323,429, C>T on the plus strand (G>A on the coding strand, the complement: POLG is on the minus strand). VCF-style: chr15-89323429-C-T. GRCh37 (hg19) VCF-style: chr15-89866660-C-T.
Other names: c.2240G>A, p.Cys747Tyr (NM_001126131.2); short protein forms C747Y.
Identifiers: ClinVar variation 647149 (VCV000647149.3), dbSNP rs1596354250, ClinGen allele CA393756679.

ClinVar aggregate classification (germline): Uncertain significance (1 of 4 stars; one submission).

Conditions:
Progressive sclerosing poliodystrophy (MTDPS4A). Also called: Alpers-Huttenlocher Syndrome (AHS); Alpers Syndrome; ALPERS PROGRESSIVE INFANTILE POLIODYSTROPHY; Mitochondrial DNA depletion syndrome 4A (Alpers type); ALPERS DIFFUSE DEGENERATION OF CEREBRAL GRAY MATTER WITH HEPATIC CIRRHOSIS; Alpers-Huttenlocher Syndrome. Identifiers: Orphanet 726, MedGen C0205710, MONDO:0008758, OMIM 203700.

Submission:

Labcorp Genetics (formerly Invitae), Labcorp
Classification: Uncertain significance for Progressive sclerosing poliodystrophy. Last evaluated: 2024-12-08. Review status: criteria provided, single submitter. Criteria: Invitae Variant Classification Sherloc (09022015). Collection method: clinical testing. Allele origin: germline.
Comment: This sequence change replaces cysteine, which is neutral and slightly polar, with tyrosine, which is neutral and polar, at codon 747 of the POLG protein (p.Cys747Tyr). This variant is not present in population databases (gnomAD no frequency). This variant has not been reported in the literature in individuals affected with POLG-related conditions. ClinVar contains an entry for this variant (Variation ID: 647149). Invitae Evidence Modeling of protein sequence and biophysical properties (such as structural, functional, and spatial information, amino acid conservation, physicochemical variation, residue mobility, and thermodynamic stability) indicates that this missense variant is expected to disrupt POLG protein function with a positive predictive value of 80%. In summary, the available evidence is currently insufficient to determine the role of this variant in disease. Therefore, it has been classified as a Variant of Uncertain Significance.